The following is an entry in ClinVar:

ClinVar aggregate classification (germline): Uncertain significance. Review status: criteria provided, multiple submitters, no conflicts (2 of 4 stars). 2 submissions from 2 submitters: Uncertain significance (2). Last evaluated 2025-08-20.

Conditions:
Classic or attenuated familial adenomatous polyposis. Identifiers: MedGen CN372698, MONDO:0021057.
Familial adenomatous polyposis 1 (FAP1). Also called: POLYPOSIS, ADENOMATOUS INTESTINAL; FAMILIAL ADENOMATOUS POLYPOSIS 1, ATTENUATED. Identifiers: MedGen C2713442, MONDO:0021056, OMIM 175100. Disease mechanism: loss of function.

Allele frequency attached by ClinVar (database versions not stated): gnomAD exomes below 0.00001.
gnomAD v4.1: 1 of 1,612,922 alleles (0.000062%); highest among the groups gnomAD compares: Non-Finnish European, 0.000085%; no homozygotes.

Submissions (2):

Labcorp Genetics (formerly Invitae), Labcorp
Classification: Uncertain significance for Familial adenomatous polyposis 1. Last evaluated: 2025-08-20. Review status: criteria provided, single submitter. Criteria: Invitae Variant Classification Sherloc (09022015). Collection method: clinical testing. Allele origin: germline.
Comment: This sequence change replaces cysteine, which is neutral and slightly polar, with serine, which is neutral and polar, at codon 661 of the APC protein (p.Cys661Ser). This variant is not present in population databases (gnomAD no frequency). This variant has not been reported in the literature in individuals affected with APC-related conditions. ClinVar contains an entry for this variant (Variation ID: 3072810). Invitae Evidence Modeling of protein sequence and biophysical properties (such as structural, functional, and spatial information, amino acid conservation, physicochemical variation, residue mobility, and thermodynamic stability) indicates that this missense variant is not expected to disrupt APC protein function with a negative predictive value of 95%. In summary, the available evidence is currently insufficient to determine the role of this variant in disease. Therefore, it has been classified as a Variant of Uncertain Significance.

All of Us Research Program, National Institutes of Health
Classification: Uncertain significance for Classic or attenuated familial adenomatous polyposis. Last evaluated: 2023-08-15. Review status: criteria provided, single submitter. Criteria: ACMG Guidelines, 2015. Collection method: clinical testing. Allele origin: germline. Inheritance: Autosomal dominant inheritance. Observed: 1 variant allele, 1 heterozygote.
Comment: This missense variant replaces cysteine with serine at codon 661 of the APC protein. Computational prediction is inconclusive regarding the impact of this variant on protein structure and function (internally defined REVEL score threshold 0.5 < inconclusive < 0.7, PMID: 27666373). To our knowledge, functional studies have not been reported for this variant. This variant has not been reported in individuals affected with APC-related disorders in the literature. This variant has not been identified in the general population by the Genome Aggregation Database (gnomAD). The available evidence is insufficient to determine the role of this variant in disease conclusively. Therefore, this variant is classified as a Variant of Uncertain Significance.

This study involves interpretation of variants in research participants for the purpose of population health screening. Participant phenotype was not available at the time of variant classification. Additional details can be found in publication PMID: 35346344, PMCID: PMC8962531

NM_000038.6(APC):c.1982G>C (p.Cys661Ser)

Gene: APC (APC regulator of Wnt signaling pathway; plus strand). Cytogenetic location: 5q22.2.
Variant type: single nucleotide variant.
Coding change: c.1982G>C on transcript NM_000038.6 (MANE Select); coding-DNA position 1982, G replaced by C.
Protein change: p.Cys661Ser; replaces cysteine 661 with serine.
Molecular consequence: missense variant. On other transcripts: non-coding transcript variant (2).
Genome position (GRCh38, 1-based): chr5:112,837,576, G>C. VCF-style: chr5-112837576-G-C. GRCh37 (hg19) VCF-style: chr5-112173273-G-C.
Other names: c.1982G>C, p.Cys661Ser (NM_001127510.3, NM_001354895.2, NM_001407450.1); c.1928G>C, p.Cys643Ser (NM_001127511.3); c.2036G>C, p.Cys679Ser (NM_001354896.2, NM_001407447.1, NM_001407448.1 and 1 more transcripts); c.2012G>C, p.Cys671Ser (NM_001354897.2); c.1907G>C, p.Cys636Ser (NM_001354898.2); c.1898G>C, p.Cys633Ser (NM_001354899.2); c.1859G>C, p.Cys620Ser (NM_001354900.2); c.1805G>C, p.Cys602Ser (NM_001354901.2, NM_001407453.1); and 11 more; short protein forms C277S, C378S, C501S, C532S, C535S, C560S, C570S, C578S.
Identifiers: ClinVar variation 3072810 (VCV003072810.3), dbSNP rs786203018, ClinGen allele CA16025649.